The following is an entry in ClinVar:

NM_032595.5(PPP1R9B):c.222G>C (p.Ala74=)

Gene: PPP1R9B (protein phosphatase 1 regulatory subunit 9B; minus strand). Cytogenetic location: 17q21.33.
Variant type: single nucleotide variant.
Coding change: c.222G>C on transcript NM_032595.5 (MANE Select); coding-DNA position 222, G replaced by C.
Protein change: p.Ala74=; no amino-acid change (alanine 74 retained).
Molecular consequence: synonymous variant.
Genome position (GRCh38, 1-based): chr17:50,150,292, C>G on the plus strand (G>C on the coding strand, the complement: PPP1R9B is on the minus strand). VCF-style: chr17-50150292-C-G. GRCh37 (hg19) VCF-style: chr17-48227653-C-G.
Identifiers: ClinVar variation 3061697 (VCV003061697.2), dbSNP rs1485177207, ClinGen allele CA500991449.

ClinVar aggregate classification (germline): Likely benign (0 of 4 stars; one submission).

Conditions:
PPP1R9B-related disorder. Also called: PPP1R9B-related condition.

Submission:

PreventionGenetics, part of Exact Sciences
Classification: Likely benign for PPP1R9B-related condition. Last evaluated: 2022-10-21. Review status: no assertion criteria provided. Collection method: clinical testing. Allele origin: germline.
Comment: This variant is classified as likely benign based on ACMG/AMP sequence variant interpretation guidelines (Richards et al. 2015 PMID: 25741868, with internal and published modifications).